The following is an entry in ClinVar:

ClinVar aggregate classification (germline): Uncertain significance (1 of 4 stars; one submission).

Conditions:
Combined immunodeficiency due to LRBA deficiency. Also called: Common variable immunodeficiency 8, with autoimmunity. Identifiers: Orphanet 445018, MedGen C3553512, MONDO:0013863, OMIM 614700.

Allele frequency attached by ClinVar (database versions not stated): gnomAD exomes below 0.00001 and 0.00001.
gnomAD v4.1: 6 of 1,612,464 alleles (0.00037%); highest among the groups gnomAD compares: South Asian, 0.0044%; no homozygotes.

Submission:

Labcorp Genetics (formerly Invitae), Labcorp
Classification: Uncertain significance for Combined immunodeficiency due to LRBA deficiency. Last evaluated: 2021-02-18. Review status: criteria provided, single submitter. Criteria: Invitae Variant Classification Sherloc (09022015). Collection method: clinical testing. Allele origin: germline.
Comment: In summary, the available evidence is currently insufficient to determine the role of this variant in disease. Therefore, it has been classified as a Variant of Uncertain Significance. Algorithms developed to predict the effect of missense changes on protein structure and function are either unavailable or do not agree on the potential impact of this missense change (SIFT: "Deleterious"; PolyPhen-2: "Probably Damaging"; Align-GVGD: "Class C0"). This variant has not been reported in the literature in individuals with LRBA-related conditions. This variant is not present in population databases (ExAC no frequency). This sequence change replaces isoleucine with arginine at codon 330 of the LRBA protein (p.Ile330Arg). The isoleucine residue is weakly conserved and there is a moderate physicochemical difference between isoleucine and arginine.

NM_001364905.1(LRBA):c.989T>G (p.Ile330Arg)

Gene: LRBA (LPS responsive beige-like anchor protein; minus strand). Cytogenetic location: 4q31.3.
Variant type: single nucleotide variant.
Coding change: c.989T>G on transcript NM_001364905.1 (MANE Select); coding-DNA position 989, T replaced by G.
Protein change: p.Ile330Arg; replaces isoleucine 330 with arginine.
Molecular consequence: missense variant.
Genome position (GRCh38, 1-based): chr4:150,915,633, A>C on the plus strand (T>G on the coding strand, the complement: LRBA is on the minus strand). VCF-style: chr4-150915633-A-C. GRCh37 (hg19) VCF-style: chr4-151836785-A-C.
Other names: c.989T>G, p.Ile330Arg (NM_001199282.3, NM_001367550.1, NM_006726.5); short protein forms I330R.
Identifiers: ClinVar variation 1511449 (VCV001511449.8), dbSNP rs1202991035, ClinGen allele CA358435875.